The following is an entry in ClinVar:

ClinVar aggregate classification (germline): Likely benign. Review status: criteria provided, single submitter (1 of 4 stars). 2 submissions from 2 submitters: Likely benign (1). 1 of the submissions does not count toward it. Last evaluated 2025-11-06.

Conditions:
HPCA-related disorder. Also called: HPCA-related condition.

Allele frequency attached by ClinVar (database versions not stated): ExAC 0.00017; gnomAD 0.00022; ESP Exome Variant Server 0.00023; 1000 Genomes Project 30x 0.00109; 1000 Genomes Project 0.00140.
gnomAD v4.1: 143 of 1,614,232 alleles (0.0089%); highest among the groups gnomAD compares: African/African-American, 0.081%; no homozygotes.

Submissions (2):

Labcorp Genetics (formerly Invitae), Labcorp
Classification: Likely benign. Last evaluated: 2025-11-06. Review status: criteria provided, single submitter. Criteria: Invitae Variant Classification Sherloc (09022015). Collection method: clinical testing. Allele origin: germline.

PreventionGenetics, part of Exact Sciences
Classification: Likely benign for HPCA-related condition. Last evaluated: 2019-09-17. Review status: no assertion criteria provided. Collection method: clinical testing. Allele origin: germline. Not counted in ClinVar's aggregate classification.
Comment: This variant is classified as likely benign based on ACMG/AMP sequence variant interpretation guidelines (Richards et al. 2015 PMID: 25741868, with internal and published modifications).

NM_002143.3(HPCA):c.195C>T (p.Ala65=)

Gene: HPCA (hippocalcin; plus strand). Cytogenetic location: 1p35.1.
Variant type: single nucleotide variant.
Coding change: c.195C>T on transcript NM_002143.3 (MANE Select); coding-DNA position 195, C replaced by T.
Protein change: p.Ala65=; no amino-acid change (alanine 65 retained).
Molecular consequence: synonymous variant.
Genome position (GRCh38, 1-based): chr1:32,889,093, C>T. VCF-style: chr1-32889093-C-T. GRCh37 (hg19) VCF-style: chr1-33354694-C-T.
Other names: c.195C>T (NM_002143.2).
Identifiers: ClinVar variation 1980515 (VCV001980515.6), dbSNP rs190500642, ClinGen allele CA745869.